The following is an entry in ClinVar:

ClinVar aggregate classification (germline): Conflicting classifications of pathogenicity. Review status: criteria provided, conflicting classifications (1 of 4 stars). 3 submissions from 3 submitters: Uncertain significance (2); Likely benign (1). Last evaluated 2025-07-31.

Conditions:
Cataract 12 multiple types. Identifiers: Orphanet 91492, MedGen C3808115, MONDO:0012701, OMIM 611597.

Allele frequency attached by ClinVar (database versions not stated): gnomAD 0.00001; gnomAD exomes 0.00001; TOPMed 0.00001; ExAC 0.00003.
gnomAD v4.1: 19 of 1,613,952 alleles (0.0012%); highest among the groups gnomAD compares: Non-Finnish European, 0.0012%; no homozygotes.

Submissions (3):

Labcorp Genetics (formerly Invitae), Labcorp
Classification: Uncertain significance for Cataract 12 multiple types. Last evaluated: 2025-07-31. Review status: criteria provided, single submitter. Criteria: Invitae Variant Classification Sherloc (09022015). Collection method: clinical testing. Allele origin: germline.
Comment: This sequence change replaces threonine, which is neutral and polar, with alanine, which is neutral and non-polar, at codon 44 of the BFSP2 protein (p.Thr44Ala). This variant is present in population databases (rs776840635, gnomAD 0.004%). This variant has not been reported in the literature in individuals affected with BFSP2-related conditions. ClinVar contains an entry for this variant (Variation ID: 2617661). An algorithm developed to predict the effect of missense changes on protein structure and function outputs the following: PolyPhen-2: "Benign". The alanine amino acid residue is found in multiple mammalian species, which suggests that this missense change does not adversely affect protein function. In summary, the available evidence is currently insufficient to determine the role of this variant in disease. Therefore, it has been classified as a Variant of Uncertain Significance.

Ambry Genetics
Classification: Uncertain significance. Last evaluated: 2023-08-10. Review status: criteria provided, single submitter. Criteria: Ambry Variant Classification Scheme 2023. Collection method: clinical testing. Allele origin: germline.

Blueprint Genetics
Classification: Likely benign. Last evaluated: 2022-11-04. Review status: criteria provided, single submitter. Criteria: ACMG Guidelines, 2015. Collection method: clinical testing. Allele origin: germline.

NM_003571.4(BFSP2):c.130A>G (p.Thr44Ala)

Gene: BFSP2 (beaded filament structural protein 2; plus strand). Cytogenetic location: 3q22.1.
Variant type: single nucleotide variant.
Coding change: c.130A>G on transcript NM_003571.4 (MANE Select); coding-DNA position 130, A replaced by G.
Protein change: p.Thr44Ala; replaces threonine 44 with alanine.
Molecular consequence: missense variant.
Genome position (GRCh38, 1-based): chr3:133,400,213, A>G. VCF-style: chr3-133400213-A-G. GRCh37 (hg19) VCF-style: chr3-133119057-A-G.
Other names: short protein forms T44A.
Identifiers: ClinVar variation 2617661 (VCV002617661.4), dbSNP rs776840635, ClinGen allele CA2623183.